The following is an entry in ClinVar:

ClinVar aggregate classification (germline): Likely benign (0 of 4 stars; one submission).

Conditions:
RANBP17-related disorder. Also called: RANBP17-related condition.

Allele frequency attached by ClinVar (database versions not stated): ExAC 0.00016; 1000 Genomes Project 30x 0.00094; 1000 Genomes Project 0.00100; TOPMed 0.00105.
gnomAD v4.1: 278 of 1,460,366 alleles (0.019%); highest among the groups gnomAD compares: African/African-American, 0.37%; no homozygotes.

Submission:

PreventionGenetics, part of Exact Sciences
Classification: Likely benign for RANBP17-related condition. Last evaluated: 2019-07-30. Review status: no assertion criteria provided. Collection method: clinical testing. Allele origin: germline.
Comment: This variant is classified as likely benign based on ACMG/AMP sequence variant interpretation guidelines (Richards et al. 2015 PMID: 25741868, with internal and published modifications).

NM_022897.5(RANBP17):c.-9C>A

Gene: RANBP17 (RAN binding protein 17; plus strand). Cytogenetic location: 5q35.1.
Variant type: single nucleotide variant.
Coding change: c.-9C>A on transcript NM_022897.5 (MANE Select); 9 bases upstream of the start codon, C replaced by A.
Molecular consequence: 5 prime UTR variant.
Genome position (GRCh38, 1-based): chr5:170,862,025, C>A. VCF-style: chr5-170862025-C-A. GRCh37 (hg19) VCF-style: chr5-170289029-C-A.
Identifiers: ClinVar variation 3041809 (VCV003041809.2), dbSNP rs550500951, ClinGen allele CA3556952.